The following is an entry in ClinVar:

ClinVar aggregate classification (germline): Likely benign. Review status: criteria provided, multiple submitters, no conflicts (2 of 4 stars). 5 submissions from 5 submitters: Likely benign (4). 1 of the submissions does not count toward it. Last evaluated 2025-10-27.

Conditions:
Inborn genetic diseases. Identifiers: MedGen C0950123, MeSH D030342.
Pyridoxine-dependent epilepsy (EPEO4). Also called: Pyridoxine-Dependent Epilepsy - ALDH7A1; EPILEPSY, EARLY-ONSET, 4, VITAMIN B6-DEPENDENT; Pyridoxine-Dependent Seizures; PYRIDOXINE DEPENDENCY WITH SEIZURES. Identifiers: Orphanet 3006, MedGen C1849508, MONDO:0009945, OMIM 266100. Disease mechanism: loss of function.
ALDH7A1-related disorder. Also called: ALDH7A1-related condition.

Allele frequency attached by ClinVar (database versions not stated): TOPMed 0.00020; 1000 Genomes Project 30x 0.00047; gnomAD exomes 0.00003; ExAC 0.00002; gnomAD 0.00013 and 0.00014; ESP Exome Variant Server 0.00008; 1000 Genomes Project 0.00020.
gnomAD v4.1: 62 of 1,614,022 alleles (0.0038%); highest among the groups gnomAD compares: African/African-American, 0.057%; no homozygotes.

Submissions (5):

Labcorp Genetics (formerly Invitae), Labcorp
Classification: Likely benign for Pyridoxine-dependent epilepsy. Last evaluated: 2025-10-27. Review status: criteria provided, single submitter. Criteria: Invitae Variant Classification Sherloc (09022015). Collection method: clinical testing. Allele origin: germline.

Genome-Nilou Lab
Classification: Likely benign for Pyridoxine-dependent epilepsy. Last evaluated: 2023-04-11. Review status: criteria provided, single submitter. Criteria: ACMG Guidelines, 2015. Collection method: clinical testing. Allele origin: germline. Affected: no.

GeneDx
Classification: Likely benign. Last evaluated: 2020-12-29. Review status: criteria provided, single submitter. Criteria: GeneDx Variant Classification Process June 2021. Collection method: clinical testing. Allele origin: germline. Affected: yes.

Ambry Genetics
Classification: Likely benign for Inborn genetic diseases. Last evaluated: 2019-10-23. Review status: criteria provided, single submitter. Criteria: Ambry Variant Classification Scheme 2023. Collection method: clinical testing. Allele origin: germline.

PreventionGenetics, part of Exact Sciences
Classification: Likely benign for ALDH7A1-related condition. Last evaluated: 2020-01-13. Review status: no assertion criteria provided. Collection method: clinical testing. Allele origin: germline. Not counted in ClinVar's aggregate classification.
Comment: This variant is classified as likely benign based on ACMG/AMP sequence variant interpretation guidelines (Richards et al. 2015 PMID: 25741868, with internal and published modifications).

NM_001182.5(ALDH7A1):c.960C>T (p.Phe320=)

Gene: ALDH7A1 (aldehyde dehydrogenase 7 family member A1; minus strand). Cytogenetic location: 5q23.2.
Variant type: single nucleotide variant.
Coding change: c.960C>T on transcript NM_001182.5 (MANE Select); coding-DNA position 960, C replaced by T.
Protein change: p.Phe320=; no amino-acid change (phenylalanine 320 retained).
Molecular consequence: synonymous variant.
Genome position (GRCh38, 1-based): chr5:126,559,288, G>A on the plus strand (C>T on the coding strand, the complement: ALDH7A1 is on the minus strand). VCF-style: chr5-126559288-G-A. GRCh37 (hg19) VCF-style: chr5-125894980-G-A.
Other names: c.876C>T, p.Phe292= (NM_001201377.2); c.960C>T, p.Phe320= (NM_001202404.2).
Identifiers: ClinVar variation 388986 (VCV000388986.18), dbSNP rs114516357, ClinGen allele CA3389575.